The following is an entry in ClinVar:

ClinVar aggregate classification (germline): Likely benign (1 of 4 stars; one submission).

Allele frequency attached by ClinVar (database versions not stated): gnomAD 0.00011 and 0.00010; TOPMed 0.00013; gnomAD exomes 0.00027 and 0.00014; ExAC 0.00021; ESP Exome Variant Server 0.00015.
gnomAD v4.1: 235 of 1,612,774 alleles (0.015%); highest among the groups gnomAD compares: Middle Eastern, 0.016%; no homozygotes.

Submission:

Laboratory for Molecular Medicine, Mass General Brigham Personalized Medicine
Classification: Likely benign. Last evaluated: 2020-06-14. Review status: criteria provided, single submitter. Criteria: LMM Criteria. Collection method: clinical testing. Allele origin: germline. Observed: 3 variant alleles.
Comment: The c.165-6C>G variant in NEBL is classified as likely benign because it has been identified in 0.5% (52/10078) of Ashkenazi Jewish chromosomes and 0.01% (10/113622) of European chromosomes by gnomAD, and computational tools to do not predict an impact to splicing. ACMG/AMP Criteria applied: BS1, BP4.

NM_213569.2(NEBL):c.165-6C>G

Gene: NEBL (nebulette; minus strand). Cytogenetic location: 10p12.31.
Variant type: single nucleotide variant.
Coding change: c.165-6C>G on transcript NM_213569.2; 6 bases into the intron before coding-DNA position 165, C replaced by G.
Molecular consequence: intron variant.
Genome position (GRCh38, 1-based): chr10:21,020,207, G>C on the plus strand (C>G on the coding strand, the complement: NEBL is on the minus strand). VCF-style: chr10-21020207-G-C. GRCh37 (hg19) VCF-style: chr10-21309136-G-C.
Other names: c.57-6C>G (NM_001377326.1, NM_001377327.1, NM_001377328.1); c.165-6C>G (NM_001173484.2, NM_001377322.1); c.108-6C>G (NM_001377324.1); c.99-6C>G (NM_001377325.1); c.117-6C>G (NM_001377323.1).
Identifiers: ClinVar variation 164776 (VCV000164776.7), dbSNP rs201869237, ClinGen allele CA177476.